The following is an entry in ClinVar:

NC_000009.12:g.(?_95171069)_(95172157_?)dup

Gene: FANCC (FA complementation group C; minus strand). Cytogenetic location: 9q22.32.
Variant type: Duplication.
Identifiers: ClinVar variation 832774 (VCV000832774.4).

ClinVar aggregate classification (germline): Likely pathogenic (1 of 4 stars; one submission).

Conditions:
Fanconi anemia (FA). Also called: Fanconi's anemia. Identifiers: Orphanet 84, MedGen C0015625, MeSH D005199, MONDO:0019391.

Submission:

Labcorp Genetics (formerly Invitae), Labcorp
Classification: Likely pathogenic for Fanconi anemia. Last evaluated: 2020-12-20. Review status: criteria provided, single submitter. Criteria: Invitae Variant Classification Sherloc (09022015). Collection method: clinical testing. Allele origin: germline.
Comment: This variant results in a copy number gain of the genomic region encompassing exons 5-6 of the FANCC gene. While the exact position of this variant cannot be determined from this data, sub-genic copy number gains are generally in tandem (PMID: 25640679) and may result in an absent or disrupted protein product. This variant has not been reported in the literature in individuals with FANCC-related conditions. Loss-of-function variants in FANCC are known to be pathogenic (PMID: 17924555). In summary, the currently available evidence indicates that the variant is pathogenic, but additional data are needed to prove that conclusively. Therefore, this variant has been classified as Likely Pathogenic.

Literature cited by the submitters: PubMed 25640679; PubMed 17924555.